The following is an entry in ClinVar:

ClinVar aggregate classification (germline): Uncertain significance (1 of 4 stars; one submission).

Conditions:
Cardiovascular phenotype. Identifiers: MedGen CN230736.

Allele frequency attached by ClinVar (database versions not stated): TOPMed below 0.00001.
gnomAD v4.1: 6 of 1,612,596 alleles (0.00037%); highest among the groups gnomAD compares: Non-Finnish European, 0.00042%; no homozygotes.

Submission:

Ambry Genetics
Classification: Uncertain significance for Cardiovascular phenotype. Last evaluated: 2020-06-16. Review status: criteria provided, single submitter. Criteria: Ambry Variant Classification Scheme 2023. Collection method: clinical testing. Allele origin: germline.
Comment: The p.S229C variant (also known as c.686C>G), located in coding exon 7 of the TECRL gene, results from a C to G substitution at nucleotide position 686. The serine at codon 229 is replaced by cysteine, an amino acid with dissimilar properties. This amino acid position is not well conserved in available vertebrate species. In addition, this alteration is predicted to be tolerated by in silico analysis. Since supporting evidence is limited at this time, the clinical significance of this alteration remains unclear.

NM_001010874.5(TECRL):c.686C>G (p.Ser229Cys)

Gene: TECRL (trans-2,3-enoyl-CoA reductase like; minus strand). Cytogenetic location: 4q13.1.
Variant type: single nucleotide variant.
Coding change: c.686C>G on transcript NM_001010874.5 (MANE Select); coding-DNA position 686, C replaced by G.
Protein change: p.Ser229Cys; replaces serine 229 with cysteine.
Molecular consequence: missense variant.
Genome position (GRCh38, 1-based): chr4:64,305,210, G>C on the plus strand (C>G on the coding strand, the complement: TECRL is on the minus strand). VCF-style: chr4-64305210-G-C. GRCh37 (hg19) VCF-style: chr4-65170928-G-C.
Other names: c.686C>G, p.Ser229Cys (NM_001363796.1); short protein forms S229C.
Identifiers: ClinVar variation 1755878 (VCV001755878.2), dbSNP rs1724259157, ClinGen allele CA357052274.